The following is an entry in ClinVar:

ClinVar aggregate classification (germline): Uncertain significance. Review status: criteria provided, single submitter (1 of 4 stars). 2 submissions from 2 submitters: Uncertain significance (1). 1 of the submissions does not count toward it. Last evaluated 2026-03-23.

Conditions:
Inborn genetic diseases. Identifiers: MedGen C0950123, MeSH D030342.

Allele frequency attached by ClinVar (database versions not stated): TOPMed 0.00001.
gnomAD v4.1: 1 of 1,614,196 alleles (0.000062%); no homozygotes.

Submissions (2):

Ambry Genetics
Classification: Uncertain significance for Inborn genetic diseases. Last evaluated: 2026-03-23. Review status: criteria provided, single submitter. Criteria: Ambry Variant Classification Scheme 2023. Collection method: clinical testing. Allele origin: germline.

ITMI
No classification provided. Condition: AllHighlyPenetrant. Last evaluated: 2013-09-19. Review status: no classification provided. Collection method: reference population. Allele origin: germline. Not counted in ClinVar's aggregate classification.
Comment: Please see associated publication for description of ethnicities

Literature cited by the submitters: PubMed 24728327 (cited by ITMI).

NM_004456.5(EZH2):c.1810G>A (p.Val604Met)

Gene: EZH2 (enhancer of zeste 2 polycomb repressive complex 2 subunit; minus strand). Cytogenetic location: 7q36.1.
Variant type: single nucleotide variant.
Coding change: c.1810G>A on transcript NM_004456.5 (MANE Select); coding-DNA position 1810, G replaced by A.
Protein change: p.Val604Met; replaces valine 604 with methionine.
Molecular consequence: missense variant.
Genome position (GRCh38, 1-based): chr7:148,814,000, C>T on the plus strand (G>A on the coding strand, the complement: EZH2 is on the minus strand). VCF-style: chr7-148814000-C-T. GRCh37 (hg19) VCF-style: chr7-148511092-C-T.
Other names: c.1795G>A, p.Val599Met (NM_001203247.2); c.1768G>A, p.Val590Met (NM_001203248.2); c.1642G>A, p.Val548Met (NM_001203249.2); c.1678G>A, p.Val560Met (NM_152998.3); c.1810G>A (NM_004456.4); short protein forms V604M, V548M, V560M, V599M, V590M.
Identifiers: ClinVar variation 134221 (VCV000134221.2), dbSNP rs587778302, ClinGen allele CA159186.